The following is an entry in ClinVar:

NM_001184.4(ATR):c.1215G>A (p.Met405Ile)

Gene: ATR (ATR checkpoint kinase; minus strand). Cytogenetic location: 3q23.
Variant type: single nucleotide variant.
Coding change: c.1215G>A on transcript NM_001184.4 (MANE Select); coding-DNA position 1215, G replaced by A.
Protein change: p.Met405Ile; replaces methionine 405 with isoleucine.
Molecular consequence: missense variant.
Genome position (GRCh38, 1-based): chr3:142,561,377, C>T on the plus strand (G>A on the coding strand, the complement: ATR is on the minus strand). VCF-style: chr3-142561377-C-T. GRCh37 (hg19) VCF-style: chr3-142280219-C-T.
Other names: c.1215G>A, p.Met405Ile (NM_001354579.2); short protein forms M405I.
Identifiers: ClinVar variation 4731672 (VCV004731672.1).

ClinVar aggregate classification (germline): Uncertain significance (1 of 4 stars; one submission).

gnomAD v4.1: 1 of 1,613,994 alleles (0.000062%); highest among the groups gnomAD compares: South Asian, 0.0011%; no homozygotes.

Submission:

Labcorp Genetics (formerly Invitae), Labcorp
Classification: Uncertain significance. Last evaluated: 2025-11-22. Review status: criteria provided, single submitter. Criteria: Invitae Variant Classification Sherloc (09022015). Collection method: clinical testing. Allele origin: germline.
Comment: This sequence change replaces methionine, which is neutral and non-polar, with isoleucine, which is neutral and non-polar, at codon 405 of the ATR protein (p.Met405Ile). This variant is not present in population databases (gnomAD no frequency). This variant has not been reported in the literature in individuals affected with ATR-related conditions. An algorithm developed to predict the effect of missense changes on protein structure and function outputs the following: PolyPhen-2: "Benign". The isoleucine amino acid residue is found in multiple mammalian species, which suggests that this missense change does not adversely affect protein function. In summary, the available evidence is currently insufficient to determine the role of this variant in disease. Therefore, it has been classified as a Variant of Uncertain Significance.